The following is an entry in ClinVar:

ClinVar aggregate classification (germline): Uncertain significance (1 of 4 stars; one submission).

Conditions:
Leukocyte adhesion deficiency 1 (LAD1). Also called: LEUKOCYTE ADHESION DEFICIENCY, TYPE I; LAD 1; Lymphocyte function-associated antigen 1 immunodeficiency; LFA 1 immunodeficiency. Identifiers: Orphanet 2968, Orphanet 99842, MedGen C0398738, MONDO:0007293, OMIM 116920.

Allele frequency attached by ClinVar (database versions not stated): gnomAD exomes 0.00001; TOPMed 0.00001; gnomAD 0.00003.
gnomAD v4.1: 16 of 1,612,260 alleles (0.00099%); highest among the groups gnomAD compares: East Asian, 0.0045%; no homozygotes.

Submission:

Neuberg Centre For Genomic Medicine, NCGM
Classification: Uncertain significance for Leukocyte adhesion deficiency 1. Review status: criteria provided, single submitter. Criteria: ACMG Guidelines, 2015. Collection method: clinical testing. Allele origin: germline. Inheritance: Autosomal recessive inheritance. Affected: yes.
Comment: The missense c.1348C>T p.Arg450Trp variant in ITGB2 gene has not been reported previously as a pathogenic variant nor as a benign variant, to our knowledge. The p.Arg450Trp variant is reported with an allele frequency of 0.0004% in the gnomAD exomes database and is novel not in any individuals in 1000 Genomes database. This variant has not been reported to the ClinVar database. The amino acid change p.Arg450Trp in ITGB2 is predicted as conserved by GERP++. The amino acid Arg at position 450 is changed to a Trp changing protein sequence and it might alter its composition and physico-chemical properties. For these reasons, this variant has been classified as a Variant of Uncertain Significance VUS.

NM_000211.5(ITGB2):c.1348C>T (p.Arg450Trp)

Gene: ITGB2 (integrin subunit beta 2; minus strand). Cytogenetic location: 21q22.3.
Variant type: single nucleotide variant.
Coding change: c.1348C>T on transcript NM_000211.5 (MANE Select); coding-DNA position 1348, C replaced by T.
Protein change: p.Arg450Trp; replaces arginine 450 with tryptophan.
Molecular consequence: missense variant.
Genome position (GRCh38, 1-based): chr21:44,891,873, G>A on the plus strand (C>T on the coding strand, the complement: ITGB2 is on the minus strand). VCF-style: chr21-44891873-G-A. GRCh37 (hg19) VCF-style: chr21-46311788-G-A.
Other names: c.1348C>T, p.Arg450Trp (NM_001127491.3); c.1141C>T, p.Arg381Trp (NM_001303238.2); short protein forms R381W, R450W.
Identifiers: ClinVar variation 3234926 (VCV003234926.1), dbSNP rs1158126815, ClinGen allele CA410485257.
Genomic context (GRCh38, chr21:44,891,873, plus strand): 5'-AGATGCCGCACTCCAAGAAGCCCTTGCCATGGCAGAGGCTGCGGTCTCTGCTCTGGTCCC[G>A]GCACCGGCACTCACACTGGGGAAGAACCTGCACGGTCACTATGTCCGTGAAGCCCAGCGC-3'
Protein context (NP_000202.3, residues 440-460): QVLPQCECRC[Arg450Trp]DQSRDRSLCH